The following is an entry in ClinVar:

NM_000160.5(GCGR):c.247del (p.Trp83fs)

Gene: GCGR (glucagon receptor; plus strand). Cytogenetic location: 17q25.3.
Variant type: Deletion.
Coding change: c.247del on transcript NM_000160.5 (MANE Select); coding-DNA position 247, one base deleted (T; older notation c.247delT).
Protein change: p.Trp83fs; shifts the reading frame from tryptophan 83.
Molecular consequence: frameshift variant.
Genome position (GRCh38, 1-based): chr17:81,810,908, T deleted. VCF-style (leftmost placement, unchanged base first): chr17-81810907-CT-C. GRCh37 (hg19) VCF-style: chr17-79768783-CT-C.
Other names: short protein forms W83fs.
Identifiers: ClinVar variation 2582843 (VCV002582843.1), dbSNP rs1296378838, ClinGen allele CA502424296.
Genomic context (GRCh38, chr17:81,810,907, plus strand): 5'-CGACAAGTATTCCTGCTGGCCGGACACCCCCGCCAATACCACGGCCAACATCTCCTGCCC[CT>C]GGTACCTGCCTTGGCACCACAAAGGTACCCATAGAGGGGAGGAACTGTGGGGGGGGCGGG-3'

ClinVar aggregate classification (germline): Pathogenic (1 of 4 stars; one submission).

Conditions:
GCGR-related hyperglucagonemia. Also called: ALPHA-CELL HYPERPLASIA WITH GLUCAGONEMIA; Mahvash disease. Identifiers: Orphanet 438274, MedGen C4763635, MONDO:0018582, OMIM 619290.

Allele frequency attached by ClinVar (database versions not stated): TOPMed 0.00001; gnomAD 0.00002; gnomAD exomes 0.00005.

Submission:

Ganetzky Laboratory, Children's Hospital of Philadelphia
Classification: Pathogenic for GCGR-related hyperglucagonemia. Last evaluated: 2023-06-29. Review status: criteria provided, single submitter. Criteria: ACMG Guidelines, 2015. Collection method: clinical testing. Allele origin: maternal. Affected: yes. Observed: 1 compound heterozygote.
Comment: PVS1+PM2+PM3+PP4